The following is an entry in ClinVar:

ClinVar aggregate classification (germline): Uncertain significance (1 of 4 stars; one submission).

Conditions:
Hereditary spastic paraplegia 11. Also called: Spastic Paraplegia 11; Nakamura Osame syndrome; Autosomal recessive hereditary spastic paraplegia, mental impairment, and thin corpus callosum; SPASTIC PARAPLEGIA, AUTOSOMAL RECESSIVE, COMPLICATED, WITH THIN CORPUS CALLOSUM; SPASTIC PARAPLEGIA, AUTOSOMAL RECESSIVE, WITH MENTAL IMPAIRMENT AND THIN CORPUS CALLOSUM; Spastic paraplegia, mental retardation and thin corpus callosum. Identifiers: Orphanet 2822, MedGen C1858479, MONDO:0011445, OMIM 604360.

Allele frequency attached by ClinVar (database versions not stated): gnomAD exomes below 0.00001; gnomAD 0.00001.
gnomAD v4.1: 5 of 1,593,896 alleles (0.00031%); highest among the groups gnomAD compares: South Asian, 0.0011%; no homozygotes.

Submission:

Labcorp Genetics (formerly Invitae), Labcorp
Classification: Uncertain significance for Hereditary spastic paraplegia 11. Last evaluated: 2024-10-29. Review status: criteria provided, single submitter. Criteria: Invitae Variant Classification Sherloc (09022015). Collection method: clinical testing. Allele origin: germline.
Comment: This sequence change replaces alanine, which is neutral and non-polar, with valine, which is neutral and non-polar, at codon 60 of the SPG11 protein (p.Ala60Val). This variant is not present in population databases (gnomAD no frequency). This variant has not been reported in the literature in individuals affected with SPG11-related conditions. ClinVar contains an entry for this variant (Variation ID: 1465597). An algorithm developed to predict the effect of missense changes on protein structure and function (PolyPhen-2) suggests that this variant is likely to be tolerated. In summary, the available evidence is currently insufficient to determine the role of this variant in disease. Therefore, it has been classified as a Variant of Uncertain Significance.

NM_025137.4(SPG11):c.179C>T (p.Ala60Val)

Gene: SPG11 (SPG11 vesicle trafficking associated, spatacsin; minus strand). Cytogenetic location: 15q21.1.
Variant type: single nucleotide variant.
Coding change: c.179C>T on transcript NM_025137.4 (MANE Select); coding-DNA position 179, C replaced by T.
Protein change: p.Ala60Val; replaces alanine 60 with valine.
Molecular consequence: missense variant.
Genome position (GRCh38, 1-based): chr15:44,663,469, G>A on the plus strand (C>T on the coding strand, the complement: SPG11 is on the minus strand). VCF-style: chr15-44663469-G-A. GRCh37 (hg19) VCF-style: chr15-44955667-G-A.
Other names: c.179C>T, p.Ala60Val (NM_001160227.2); short protein forms A60V.
Identifiers: ClinVar variation 1465597 (VCV001465597.5), dbSNP rs2085181882, ClinGen allele CA392238632.